The following is an entry in ClinVar:

NM_001004320.2(AGMO):c.389G>A (p.Trp130Ter)

Gene: AGMO (alkylglycerol monooxygenase; minus strand). Cytogenetic location: 7p21.2.
Variant type: single nucleotide variant.
Coding change: c.389G>A on transcript NM_001004320.2 (MANE Select); coding-DNA position 389, G replaced by A.
Protein change: p.Trp130Ter; replaces tryptophan 130 with a stop codon.
Molecular consequence: nonsense.
Genome position (GRCh38, 1-based): chr7:15,544,792, C>T on the plus strand (G>A on the coding strand, the complement: AGMO is on the minus strand). VCF-style: chr7-15544792-C-T. GRCh37 (hg19) VCF-style: chr7-15584417-C-T.
Other names: short protein forms W130*.
Identifiers: ClinVar variation 1299452 (VCV001299452.4), dbSNP rs917375519, ClinGen allele CA366997295.
Genomic context (GRCh38, chr7:15,544,792, plus strand): 5'-TTCAACATAAGTTAACAAAAAGTCCTCATTTGCAGCTTACCATGAGCCATACGATGGAAC[C>T]AGTAGTAGCCAAAGTCAACTCCTAAGAAGGCTGAATACCAAGTCCATGGAGAATCCCAAG-3'

ClinVar aggregate classification (germline): Uncertain significance (1 of 4 stars; one submission).

Allele frequency attached by ClinVar (database versions not stated): gnomAD 0.00001; gnomAD exomes below 0.00001.

Submission:

Illumina Laboratory Services, Illumina
Classification: Uncertain significance. Last evaluated: 2021-09-23. Review status: criteria provided, single submitter. Criteria: ICSLVariantClassificationCriteria RUGD 01 April 2020. Collection method: clinical testing. Allele origin: unknown.
Comment: The AGMO c.389G>A (p.Trp130Ter) variant is a stop-gained variant. This variant has been reported in one study in the literature (Okur et al. 2019). The p.Trp130Ter variant is reported at a frequency of 0.000029 in the European (non-Finnish) population of the Genome Aggregation Database (version 3.1.1), but this is based on two alleles in a region of good sequence coverage, so the variant is presumed to be rare. Evaluation of AGMO activity in HEK293T cells with the p.Gly238Cys variant showed significant reduction compared to cells expressing wild-type cDNA. In addition, Western blotting using anti-AGMO antibody resulted in undetectable protein (Okur et al. 2019). Based on the available evidence, the p.Trp130Ter variant is classified as a variant of uncertain significance.

Literature cited by the submitters: PubMed 31555905.